The following is an entry in ClinVar:

NM_145059.3(FCSK):c.1080T>C (p.Leu360=)

Gene: FCSK (fucose kinase; plus strand). Cytogenetic location: 16q22.1.
Variant type: single nucleotide variant.
Coding change: c.1080T>C on transcript NM_145059.3 (MANE Select); coding-DNA position 1080, T replaced by C.
Protein change: p.Leu360=; no amino-acid change (leucine 360 retained).
Molecular consequence: synonymous variant.
Genome position (GRCh38, 1-based): chr16:70,470,982, T>C. VCF-style: chr16-70470982-T-C. GRCh37 (hg19) VCF-style: chr16-70504885-T-C.
Other names: c.1080T>C (NM_145059.2).
Identifiers: ClinVar variation 1682361 (VCV001682361.11), dbSNP rs17881219, ClinGen allele CA8143213.
Genomic context (GRCh38, chr16:70,470,982, plus strand): 5'-CAGCCCTGGGCCTCGACCCCCCTCATGCTCCTCCTACCTGGCTGCACAGGAGCAGCAGCT[T>C]CTGGCGGCCGGGAGCTCTGTGGTCAGCTGCCTGCTGGAGGGCCCTGTCCAGCTGGGTCCT-3'
Protein context (NP_659496.2, residues 350-370): IVHSQVEEQQ[Leu360=]LAAGSSVVSC

ClinVar aggregate classification (germline): Benign. Review status: criteria provided, multiple submitters, no conflicts (2 of 4 stars). 3 submissions from 3 submitters: Benign (2). 1 of the submissions does not count toward it. Last evaluated 2026-02-01.

Conditions:
FCSK-related disorder. Also called: FCSK-related condition.

Allele frequency attached by ClinVar (database versions not stated): gnomAD 0.08653 and 0.09245; TOPMed 0.09653; 1000 Genomes Project 0.09784; 1000 Genomes Project 30x 0.10415; gnomAD exomes 0.00833 and 0.02025; ExAC 0.05507; ESP Exome Variant Server 0.07916.
gnomAD v4.1: 25,770 of 1,589,836 alleles (1.6%); highest among the groups gnomAD compares: African/African-American, 30%; 3,569 homozygotes.

Submissions (3):

Labcorp Genetics (formerly Invitae), Labcorp
Classification: Benign. Last evaluated: 2026-02-01. Review status: criteria provided, single submitter. Criteria: Invitae Variant Classification Sherloc (09022015). Collection method: clinical testing. Allele origin: germline.

Breakthrough Genomics
Classification: Benign. Review status: criteria provided, single submitter. Criteria: ACMG Guidelines, 2015. Collection method: not provided. Allele origin: germline. Inheritance: Autosomal recessive inheritance. Affected: yes.

PreventionGenetics, part of Exact Sciences
Classification: Benign for FCSK-related condition. Last evaluated: 2022-11-15. Review status: no assertion criteria provided. Collection method: clinical testing. Allele origin: germline. Not counted in ClinVar's aggregate classification.
Comment: This variant is classified as benign based on ACMG/AMP sequence variant interpretation guidelines (Richards et al. 2015 PMID: 25741868, with internal and published modifications).